The following is an entry in ClinVar:

ClinVar aggregate classification (germline): Likely benign (0 of 4 stars; one submission).

Conditions:
ABCA7-related disorder. Also called: ABCA7-related condition.

Allele frequency attached by ClinVar (database versions not stated): gnomAD exomes 0.00004; gnomAD 0.00013; TOPMed 0.00013; ExAC 0.00026; 1000 Genomes Project 30x 0.00031; 1000 Genomes Project 0.00040.
gnomAD v4.1: 101 of 1,611,838 alleles (0.0063%); highest among the groups gnomAD compares: East Asian, 0.12%; 2 homozygotes.

Submission:

PreventionGenetics, part of Exact Sciences
Classification: Likely benign for ABCA7-related condition. Last evaluated: 2019-03-20. Review status: no assertion criteria provided. Collection method: clinical testing. Allele origin: germline.
Comment: This variant is classified as likely benign based on ACMG/AMP sequence variant interpretation guidelines (Richards et al. 2015 PMID: 25741868, with internal and published modifications).

NM_019112.4(ABCA7):c.2589C>T (p.Gly863=)

Gene: ABCA7 (ATP binding cassette subfamily A member 7; plus strand). Cytogenetic location: 19p13.3.
Variant type: single nucleotide variant.
Coding change: c.2589C>T on transcript NM_019112.4 (MANE Select); coding-DNA position 2589, C replaced by T.
Protein change: p.Gly863=; no amino-acid change (glycine 863 retained).
Molecular consequence: synonymous variant.
Genome position (GRCh38, 1-based): chr19:1,050,957, C>T. VCF-style: chr19-1050957-C-T. GRCh37 (hg19) VCF-style: chr19-1050956-C-T.
Identifiers: ClinVar variation 3047929 (VCV003047929.2), dbSNP rs376610333, ClinGen allele CA9033664.